The following is an entry in ClinVar:

ClinVar aggregate classification (germline): Conflicting classifications of pathogenicity. Review status: criteria provided, conflicting classifications (1 of 4 stars). 8 submissions from 8 submitters: Uncertain significance (6); Likely benign (1). 1 of the submissions does not count toward it. Last evaluated 2026-08-19.

Conditions:
Kidney disorder. Also called: Kidney disease; Kidney Diseases; Nephropathy; renal disorder; renal disease. Identifiers: MedGen C0022658, MONDO:0005240, HP:0000112.
Nephronophthisis. Also called: Juvenile Nephronophthisis. Identifiers: Orphanet 655, MedGen C0687120, MONDO:0019005, HP:0000090.
Meckel-Gruber syndrome. Also called: DYSENCEPHALIA SPLANCHNOCYSTICA; GRUBER SYNDROME; Dysencephalia splachnocystica. Identifiers: Orphanet 564, MedGen C0265215, MONDO:0018921.
Joubert syndrome. Also called: Familial aplasia of the vermis; JOUBERT-BOLTSHAUSER SYNDROME. Identifiers: Orphanet 475, MedGen C5979921, MONDO:0018772.
Leber congenital amaurosis (LCA). Also called: Leber's amaurosis. Identifiers: Orphanet 65, MedGen C0339527, MeSH D057130, MONDO:0018998.
CEP290-related disorder. Also called: CEP290-related disorders; CEP290-related condition. Identifiers: MedGen CN239314.

Allele frequency attached by ClinVar (database versions not stated): gnomAD exomes 0.00011 and 0.00037; gnomAD 0.00012 and 0.00014; TOPMed 0.00016; ExAC 0.00019; 1000 Genomes Project 30x 0.00031; 1000 Genomes Project 0.00040.

Submissions (8):

PreventionGenetics, part of Exact Sciences
Classification: Uncertain significance for CEP290-related condition. Last evaluated: 2026-08-19. Review status: criteria provided, single submitter. Criteria: ACMG Guidelines, 2015. Collection method: clinical testing. Allele origin: germline.
Comment: The CEP290 c.7075A>C variant is predicted to result in the amino acid substitution p.Ile2359Leu. To our knowledge, this variant has not been reported in the literature. This variant is reported in 0.024% of alleles in individuals of European (Non-Finnish) descent in gnomAD. At this time, the clinical significance of this variant is uncertain due to the absence of conclusive functional and genetic evidence.

GeneDx
Classification: Uncertain significance. Last evaluated: 2025-01-15. Review status: criteria provided, single submitter. Criteria: GeneDx Variant Classification Process June 2021. Collection method: clinical testing. Allele origin: germline. Affected: yes.
Comment: Has not been previously published as pathogenic or benign to our knowledge; In silico analysis indicates that this missense variant does not alter protein structure/function

Blueprint Genetics
Classification: Likely benign. Last evaluated: 2024-09-08. Review status: criteria provided, single submitter. Criteria: ACMG Guidelines, 2015. Collection method: clinical testing. Allele origin: germline.

Mayo Clinic Laboratories, Mayo Clinic
Classification: Uncertain significance. Last evaluated: 2024-05-31. Review status: criteria provided, single submitter. Criteria: ACMG Guidelines, 2015. Collection method: clinical testing. Allele origin: germline. Observed: 1 variant allele.
Comment: BP4

Labcorp Genetics (formerly Invitae), Labcorp
Classification: Uncertain significance for Joubert syndrome; Meckel-Gruber syndrome; Nephronophthisis. Last evaluated: 2022-10-18. Review status: criteria provided, single submitter. Criteria: Invitae Variant Classification Sherloc (09022015). Collection method: clinical testing. Allele origin: germline.
Comment: This sequence change replaces isoleucine, which is neutral and non-polar, with leucine, which is neutral and non-polar, at codon 2359 of the CEP290 protein (p.Ile2359Leu). This variant is present in population databases (rs183387506, gnomAD 0.03%). This variant has not been reported in the literature in individuals affected with CEP290-related conditions. ClinVar contains an entry for this variant (Variation ID: 594796). Algorithms developed to predict the effect of missense changes on protein structure and function (SIFT, PolyPhen-2, Align-GVGD) all suggest that this variant is likely to be tolerated. In summary, the available evidence is currently insufficient to determine the role of this variant in disease. Therefore, it has been classified as a Variant of Uncertain Significance.

Eurofins Ntd Llc (ga)
Classification: Uncertain significance. Last evaluated: 2017-11-13. Review status: criteria provided, single submitter. Criteria: EGL Classification Definitions 2015. Collection method: clinical testing. Allele origin: germline. Observed: 1 variant allele, 1 heterozygote.

Genome Diagnostics Laboratory, The Hospital for Sick Children
Classification: Uncertain significance for Kidney disorder. Last evaluated: 2016-12-12. Review status: criteria provided, single submitter. Criteria: ACMG Guidelines, 2015. Collection method: clinical testing. Allele origin: germline.

Natera, Inc.
Classification: Uncertain significance for Leber congenital amaurosis. Last evaluated: 2020-01-23. Review status: no assertion criteria provided. Collection method: clinical testing. Allele origin: germline. Not counted in ClinVar's aggregate classification.

NM_025114.4(CEP290):c.7075A>C (p.Ile2359Leu)

Gene: CEP290 (centrosomal protein 290; minus strand). Cytogenetic location: 12q21.32.
Variant type: single nucleotide variant.
Coding change: c.7075A>C on transcript NM_025114.4 (MANE Select); coding-DNA position 7075, A replaced by C.
Protein change: p.Ile2359Leu; replaces isoleucine 2359 with leucine.
Molecular consequence: missense variant.
Genome position (GRCh38, 1-based): chr12:88,053,706, T>G on the plus strand (A>C on the coding strand, the complement: CEP290 is on the minus strand). VCF-style: chr12-88053706-T-G. GRCh37 (hg19) VCF-style: chr12-88447483-T-G.
Other names: p.Ile2359Leu; short protein forms I2359L.
Identifiers: ClinVar variation 594796 (VCV000594796.16), dbSNP rs183387506, ClinGen allele CA6711358.